The following is an entry in ClinVar:

NM_006206.6(PDGFRA):c.2354A>G (p.Asp785Gly)

Gene: PDGFRA (platelet derived growth factor receptor alpha; plus strand). Cytogenetic location: 4q12.
Variant type: single nucleotide variant.
Coding change: c.2354A>G on transcript NM_006206.6 (MANE Select); coding-DNA position 2354, A replaced by G.
Protein change: p.Asp785Gly; replaces aspartic acid 785 with glycine.
Molecular consequence: missense variant.
Genome position (GRCh38, 1-based): chr4:54,285,401, A>G. VCF-style: chr4-54285401-A-G. GRCh37 (hg19) VCF-style: chr4-55151568-A-G.
Other names: c.2429A>G, p.Asp810Gly (NM_001347828.2); c.2354A>G, p.Asp785Gly (NM_001347829.2); c.2393A>G, p.Asp798Gly (NM_001347830.2); short protein forms D785G, D810G, D798G.
Identifiers: ClinVar variation 459055 (VCV000459055.8), dbSNP rs1553905964, ClinGen allele CA356894644.

ClinVar aggregate classification (germline): Uncertain significance. Review status: criteria provided, multiple submitters, no conflicts (2 of 4 stars). 2 submissions from 2 submitters: Uncertain significance (2). Last evaluated 2025-01-15.

Conditions:
Hereditary cancer-predisposing syndrome. Also called: Tumor predisposition; Hereditary neoplastic syndrome; Neoplastic Syndromes, Hereditary; Hereditary Cancer Syndrome. Identifiers: Orphanet 140162, MedGen C0027672, MeSH D009386, MONDO:0015356.
Gastrointestinal stromal tumor. Also called: Gastrointestinal stroma tumor; Gastrointestinal stromal tumor, somatic. Identifiers: Orphanet 44890, MedGen C0238198, MeSH D046152, MONDO:0011719, OMIM 606764, HP:0100723.

Submissions (2):

Ambry Genetics
Classification: Uncertain significance for Hereditary cancer-predisposing syndrome. Last evaluated: 2025-01-15. Review status: criteria provided, single submitter. Criteria: Ambry Variant Classification Scheme 2023. Collection method: clinical testing. Allele origin: germline.
Comment: The p.D785G variant (also known as c.2354A>G), located in coding exon 16 of the PDGFRA gene, results from an A to G substitution at nucleotide position 2354. The aspartic acid at codon 785 is replaced by glycine, an amino acid with similar properties. This amino acid position is highly conserved in available vertebrate species. In addition, the in silico prediction for this alteration is inconclusive. Based on the available evidence, the clinical significance of this variant remains unclear.

Labcorp Genetics (formerly Invitae), Labcorp
Classification: Uncertain significance for Gastrointestinal stromal tumor. Last evaluated: 2024-08-08. Review status: criteria provided, single submitter. Criteria: Invitae Variant Classification Sherloc (09022015). Collection method: clinical testing. Allele origin: germline.
Comment: This sequence change replaces aspartic acid, which is acidic and polar, with glycine, which is neutral and non-polar, at codon 785 of the PDGFRA protein (p.Asp785Gly). This variant is not present in population databases (gnomAD no frequency). This variant has not been reported in the literature in individuals affected with PDGFRA-related conditions. ClinVar contains an entry for this variant (Variation ID: 459055). Advanced modeling of protein sequence and biophysical properties (such as structural, functional, and spatial information, amino acid conservation, physicochemical variation, residue mobility, and thermodynamic stability) has been performed at Invitae for this missense variant, however the output from this modeling did not meet the statistical confidence thresholds required to predict the impact of this variant on PDGFRA protein function. In summary, the available evidence is currently insufficient to determine the role of this variant in disease. Therefore, it has been classified as a Variant of Uncertain Significance.